The following is an entry in ClinVar:

NM_001042492.3(NF1):c.3501A>C (p.Leu1167Phe)

Gene: NF1 (neurofibromin 1; plus strand). Cytogenetic location: 17q11.2.
Variant type: single nucleotide variant.
Coding change: c.3501A>C on transcript NM_001042492.3 (MANE Select); coding-DNA position 3501, A replaced by C.
Protein change: p.Leu1167Phe; replaces leucine 1167 with phenylalanine.
Molecular consequence: missense variant.
Genome position (GRCh38, 1-based): chr17:31,233,006, A>C. VCF-style: chr17-31233006-A-C. GRCh37 (hg19) VCF-style: chr17-29560024-A-C.
Other names: c.3501A>C, p.Leu1167Phe (NM_000267.4); short protein forms L1167F.
Identifiers: ClinVar variation 527571 (VCV000527571.5), dbSNP rs1555615008, ClinGen allele CA398989624.

ClinVar aggregate classification (germline): Uncertain significance (1 of 4 stars; one submission).

Conditions:
Neurofibromatosis, type 1 (NF1). Also called: VON RECKLINGHAUSEN DISEASE; NEUROFIBROMATOSIS, TYPE I, SOMATIC; Peripheral type neurofibromatosis; Neurofibromatosis, type I. Identifiers: Orphanet 636, MedGen C0027831, MONDO:0018975, OMIM 162200. Disease mechanism: loss of function.

Submission:

Labcorp Genetics (formerly Invitae), Labcorp
Classification: Uncertain significance for Neurofibromatosis, type 1. Last evaluated: 2017-12-04. Review status: criteria provided, single submitter. Criteria: Invitae Variant Classification Sherloc (09022015). Collection method: clinical testing. Allele origin: germline.
Comment: In summary, the available evidence is currently insufficient to determine the role of this variant in disease. Therefore, it has been classified as a Variant of Uncertain Significance. Algorithms developed to predict the effect of missense changes on protein structure and function do not agree on the potential impact of this missense change (SIFT: "Deleterious"; PolyPhen-2: "Probably Damaging"; Align-GVGD: "Class C0"). This variant has not been reported in the literature in individuals with NF1-related disease. This variant is not present in population databases (ExAC no frequency). This sequence change replaces leucine with phenylalanine at codon 1167 of the NF1 protein (p.Leu1167Phe). The leucine residue is moderately conserved and there is a small physicochemical difference between leucine and phenylalanine.